The following is an entry in ClinVar:

NM_003190.5(TAPBP):c.464C>G (p.Ala155Gly)

Gene: TAPBP (TAP binding protein; minus strand). Cytogenetic location: 6p21.32.
Variant type: single nucleotide variant.
Coding change: c.464C>G on transcript NM_003190.5 (MANE Select); coding-DNA position 464, C replaced by G.
Protein change: p.Ala155Gly; replaces alanine 155 with glycine.
Molecular consequence: missense variant. On other transcripts: intron variant (1).
Genome position (GRCh38, 1-based): chr6:33,313,222, G>C on the plus strand (C>G on the coding strand, the complement: TAPBP is on the minus strand). VCF-style: chr6-33313222-G-C. GRCh37 (hg19) VCF-style: chr6-33280999-G-C.
Other names: c.464C>G, p.Ala155Gly (NM_172208.3); c.208+472C>G (NM_172209.3); short protein forms A155G.
Identifiers: ClinVar variation 466398 (VCV000466398.8), dbSNP rs747106102, ClinGen allele CA3755893.
Genomic context (GRCh38, chr6:33,313,222, plus strand): 5'-CTGATCTGGACCCTTAGAATCTACCCACCCTTCTCCACCTCCCCTCCCCAGCTACCTGTT[G>C]CCATGGTGATGAGAACAGGCTCCTGCTGAGGCTCTGGCTGTGGTCGCAAGAGGCTGGAGA-3'
Protein context (NP_003181.3, residues 145-165): PQQEPVLITM[Ala155Gly]TVVLTVLTHT

ClinVar aggregate classification (germline): Uncertain significance (1 of 4 stars; one submission).

Conditions:
MHC class I deficiency. Identifiers: Orphanet 34592, MedGen C6024714, MONDO:0011476.

Allele frequency attached by ClinVar (database versions not stated): gnomAD exomes 0.00001; gnomAD 0.00003; ExAC 0.00001; TOPMed 0.00002.
gnomAD v4.1: 51 of 1,605,126 alleles (0.0032%); highest among the groups gnomAD compares: Non-Finnish European, 0.0042%; no homozygotes.

Submission:

Labcorp Genetics (formerly Invitae), Labcorp
Classification: Uncertain significance for MHC class I deficiency 1. Last evaluated: 2023-02-04. Review status: criteria provided, single submitter. Criteria: Invitae Variant Classification Sherloc (09022015). Collection method: clinical testing. Allele origin: germline.
Comment: In summary, the available evidence is currently insufficient to determine the role of this variant in disease. Therefore, it has been classified as a Variant of Uncertain Significance. Algorithms developed to predict the effect of missense changes on protein structure and function (SIFT, PolyPhen-2, Align-GVGD) all suggest that this variant is likely to be tolerated. ClinVar contains an entry for this variant (Variation ID: 466398). This variant has not been reported in the literature in individuals affected with TAPBP-related conditions. This variant is present in population databases (rs747106102, gnomAD 0.002%). This sequence change replaces alanine, which is neutral and non-polar, with glycine, which is neutral and non-polar, at codon 155 of the TAPBP protein (p.Ala155Gly).